The following is an entry in ClinVar:

ClinVar aggregate classification (germline): Uncertain significance (1 of 4 stars; one submission).

Conditions:
Hereditary cancer-predisposing syndrome. Also called: Neoplastic Syndromes, Hereditary; Tumor predisposition; Hereditary Cancer Syndrome; Hereditary neoplastic syndrome. Identifiers: Orphanet 140162, MedGen C0027672, MeSH D009386, MONDO:0015356.

Submission:

Ambry Genetics
Classification: Uncertain significance for Hereditary cancer-predisposing syndrome. Last evaluated: 2021-12-10. Review status: criteria provided, single submitter. Criteria: Ambry Variant Classification Scheme 2023. Collection method: clinical testing. Allele origin: germline.
Comment: The p.L61I variant (also known as c.181C>A), located in coding exon 3 of the MRE11A gene, results from a C to A substitution at nucleotide position 181. The leucine at codon 61 is replaced by isoleucine, an amino acid with highly similar properties. This amino acid position is conserved. In addition, this alteration is predicted to be deleterious by in silico analysis. Since supporting evidence is limited at this time, the clinical significance of this alteration remains unclear.

NM_005591.4(MRE11):c.181C>A (p.Leu61Ile)

Gene: MRE11 (MRE11 double strand break repair nuclease; minus strand). Cytogenetic location: 11q21.
Variant type: single nucleotide variant.
Coding change: c.181C>A on transcript NM_005591.4 (MANE Select); coding-DNA position 181, C replaced by A.
Protein change: p.Leu61Ile; replaces leucine 61 with isoleucine.
Molecular consequence: missense variant.
Genome position (GRCh38, 1-based): chr11:94,486,057, G>T on the plus strand (C>A on the coding strand, the complement: MRE11 is on the minus strand). VCF-style: chr11-94486057-G-T. GRCh37 (hg19) VCF-style: chr11-94219223-G-T.
Other names: c.181C>A, p.Leu61Ile (NM_001330347.2, NM_005590.4); short protein forms L61I.
Identifiers: ClinVar variation 1799765 (VCV001799765.2), dbSNP rs786203268, ClinGen allele CA382379859.